The following is an entry in ClinVar:

ClinVar aggregate classification (germline): Likely benign. Review status: criteria provided, multiple submitters, no conflicts (2 of 4 stars). 4 submissions from 4 submitters: Likely benign (4). Last evaluated 2026-01-30.

gnomAD v4.1: 111 of 1,554,754 alleles (0.0071%); highest among the groups gnomAD compares: Middle Eastern, 0.17%; no homozygotes.

Submissions (4):

Labcorp Genetics (formerly Invitae), Labcorp
Classification: Likely benign. Last evaluated: 2026-01-30. Review status: criteria provided, single submitter. Criteria: Invitae Variant Classification Sherloc (09022015). Collection method: clinical testing. Allele origin: germline.

Blueprint Genetics
Classification: Likely benign. Last evaluated: 2024-09-02. Review status: criteria provided, single submitter. Criteria: ACMG Guidelines, 2015. Collection method: clinical testing. Allele origin: germline.

CeGaT Center for Human Genetics Tuebingen
Classification: Likely benign. Last evaluated: 2022-10-01. Review status: criteria provided, single submitter. Criteria: CeGaT Center For Human Genetics Tuebingen Variant Classification Criteria Version 2. Collection method: clinical testing. Allele origin: germline. Affected: yes. Observed: 1 variant allele.
Comment: IL2RB: BP4, BP7

Breakthrough Genomics
Classification: Likely benign. Review status: criteria provided, single submitter. Criteria: ACMG Guidelines, 2015. Collection method: not provided. Allele origin: germline. Inheritance: Autosomal recessive inheritance. Affected: yes.

NM_000878.5(IL2RB):c.1305C>G (p.Leu435=)

Gene: IL2RB (interleukin 2 receptor subunit beta; minus strand). Cytogenetic location: 22q12.3.
Variant type: single nucleotide variant.
Coding change: c.1305C>G on transcript NM_000878.5 (MANE Select); coding-DNA position 1305, C replaced by G.
Protein change: p.Leu435=; no amino-acid change (leucine 435 retained).
Molecular consequence: synonymous variant.
Genome position (GRCh38, 1-based): chr22:37,128,447, G>C on the plus strand (C>G on the coding strand, the complement: IL2RB is on the minus strand). VCF-style: chr22-37128447-G-C. GRCh37 (hg19) VCF-style: chr22-37524487-G-C.
Other names: c.1305C>G, p.Leu435= (NM_001346222.1, NM_001346223.2).
Identifiers: ClinVar variation 1577181 (VCV001577181.33), dbSNP rs768964296, ClinGen allele CA10216368.